The following is an entry in ClinVar:

NM_207346.3(TSEN54):c.949G>A (p.Ala317Thr)

Gene: TSEN54 (tRNA splicing endonuclease subunit 54; plus strand). Cytogenetic location: 17q25.1.
Variant type: single nucleotide variant.
Coding change: c.949G>A on transcript NM_207346.3 (MANE Select); coding-DNA position 949, G replaced by A.
Protein change: p.Ala317Thr; replaces alanine 317 with threonine.
Molecular consequence: missense variant.
Genome position (GRCh38, 1-based): chr17:75,522,030, G>A. VCF-style: chr17-75522030-G-A. GRCh37 (hg19) VCF-style: chr17-73518111-G-A.
Other names: short protein forms A317T.
Identifiers: ClinVar variation 167751 (VCV000167751.44), dbSNP rs201125812, ClinGen allele CA235020.

ClinVar aggregate classification (germline): Uncertain significance. Review status: criteria provided, multiple submitters, no conflicts (2 of 4 stars). 2 submissions from 2 submitters: Uncertain significance (2). Last evaluated 2022-08-13.

Allele frequency attached by ClinVar (database versions not stated): gnomAD 0.00001; TOPMed 0.00001.

Submissions (2):

Labcorp Genetics (formerly Invitae), Labcorp
Classification: Uncertain significance. Last evaluated: 2022-08-13. Review status: criteria provided, single submitter. Criteria: Invitae Variant Classification Sherloc (09022015). Collection method: clinical testing. Allele origin: germline.
Comment: This sequence change replaces alanine, which is neutral and non-polar, with threonine, which is neutral and polar, at codon 317 of the TSEN54 protein (p.Ala317Thr). The frequency data for this variant in the population databases is considered unreliable, as metrics indicate poor data quality at this position in the gnomAD database. This variant has not been reported in the literature in individuals affected with TSEN54-related conditions. ClinVar contains an entry for this variant (Variation ID: 167751). Algorithms developed to predict the effect of missense changes on protein structure and function are either unavailable or do not agree on the potential impact of this missense change (SIFT: "Deleterious"; PolyPhen-2: "Benign"; Align-GVGD: "Class C0"). In summary, the available evidence is currently insufficient to determine the role of this variant in disease. Therefore, it has been classified as a Variant of Uncertain Significance.

Eurofins Ntd Llc (ga)
Classification: Uncertain significance. Last evaluated: 2014-04-27. Review status: criteria provided, single submitter. Criteria: EGL Classification Definitions 2015. Collection method: clinical testing. Allele origin: germline. Observed: 1 variant allele, 1 heterozygote.